The following is an entry in ClinVar:

NM_004380.3(CREBBP):c.5829G>A (p.Pro1943=)

Gene: CREBBP (CREB binding lysine acetyltransferase; minus strand). Cytogenetic location: 16p13.3.
Variant type: single nucleotide variant.
Coding change: c.5829G>A on transcript NM_004380.3 (MANE Select); coding-DNA position 5829, G replaced by A.
Protein change: p.Pro1943=; no amino-acid change (proline 1943 retained).
Molecular consequence: synonymous variant.
Genome position (GRCh38, 1-based): chr16:3,729,218, C>T on the plus strand (G>A on the coding strand, the complement: CREBBP is on the minus strand). VCF-style: chr16-3729218-C-T. GRCh37 (hg19) VCF-style: chr16-3779219-C-T.
Other names: c.5715G>A, p.Pro1905= (NM_001079846.1).
Identifiers: ClinVar variation 158389 (VCV000158389.48), dbSNP rs546554430, ClinGen allele CA171800.
Genomic context (GRCh38, chr16:3,729,218, plus strand): 5'-CTCGATCTGCCGAGCCGCTTCCACCGCTGCAGGAGGGGGCTGGGCCGGGGGTGGGGGGGC[C>T]GGCACCTGGCTGGTAGGCTTCCCTGTGGACACCGTGGTGGGGGGCTGAGTCCGGGCCACG-3'
Protein context (NP_004371.2, residues 1933-1953): VSTGKPTSQV[Pro1943=]APPPPAQPPP

ClinVar aggregate classification (germline): Conflicting classifications of pathogenicity. Review status: criteria provided, conflicting classifications (1 of 4 stars). 8 submissions from 8 submitters: Uncertain significance (1); Benign (2); Likely benign (4). 1 of the submissions does not count toward it. Last evaluated 2026-07-01.

Conditions:
Rubinstein-Taybi syndrome (RSTS). Identifiers: Orphanet 783, MedGen C0035934, MONDO:0019188.
CREBBP-related disorder. Also called: CREBBP-related disorders; CREBBP-related condition.
Inborn genetic diseases. Identifiers: MedGen C0950123, MeSH D030342.

Allele frequency attached by ClinVar (database versions not stated): 1000 Genomes Project 0.00060; TOPMed 0.00074; 1000 Genomes Project 30x 0.00078; gnomAD 0.00103 and 0.00113; gnomAD exomes 0.00143; ExAC 0.00272.
gnomAD v4.1: 2,821 of 1,525,842 alleles (0.18%); highest among the groups gnomAD compares: South Asian, 0.35%; 6 homozygotes.

Submissions (8):

CeGaT Center for Human Genetics Tuebingen
Classification: Likely benign. Last evaluated: 2026-07-01. Review status: criteria provided, single submitter. Criteria: CeGaT Center For Human Genetics Tuebingen Variant Classification Criteria Version 2. Collection method: clinical testing. Allele origin: germline. Affected: yes. Observed: 10 variant alleles.
Comment: CREBBP: BP4, BP7, BS1

Labcorp Genetics (formerly Invitae), Labcorp
Classification: Benign for Rubinstein-Taybi syndrome. Last evaluated: 2026-01-27. Review status: criteria provided, single submitter. Criteria: Invitae Variant Classification Sherloc (09022015). Collection method: clinical testing. Allele origin: germline.

Blueprint Genetics
Classification: Likely benign. Last evaluated: 2024-11-27. Review status: criteria provided, single submitter. Criteria: ACMG Guidelines, 2015. Collection method: clinical testing. Allele origin: germline.

GeneDx
Classification: Benign. Last evaluated: 2019-11-29. Review status: criteria provided, single submitter. Criteria: GeneDx Variant Classification Process June 2021. Collection method: clinical testing. Allele origin: germline. Affected: yes.

Ambry Genetics
Classification: Likely benign for Inborn genetic diseases. Last evaluated: 2016-05-03. Review status: criteria provided, single submitter. Criteria: Ambry Variant Classification Scheme 2023. Collection method: clinical testing. Allele origin: germline.

Eurofins Ntd Llc (ga)
Classification: Uncertain significance. Last evaluated: 2015-01-30. Review status: criteria provided, single submitter. Criteria: EGL Classification Definitions 2015. Collection method: clinical testing. Allele origin: germline. Observed: 3 variant alleles, 3 heterozygotes.

Genetic Services Laboratory, University of Chicago
Classification: Likely benign. Last evaluated: 2013-02-08. Review status: criteria provided, single submitter. Criteria: ACMG Guidelines, 2007. Collection method: clinical testing. Allele origin: germline. Inheritance: Autosomal dominant inheritance.

PreventionGenetics, part of Exact Sciences
Classification: Benign for CREBBP-related condition. Last evaluated: 2021-07-13. Review status: no assertion criteria provided. Collection method: clinical testing. Allele origin: germline. Not counted in ClinVar's aggregate classification.
Comment: This variant is classified as benign based on ACMG/AMP sequence variant interpretation guidelines (Richards et al. 2015 PMID: 25741868, with internal and published modifications).